The following is an entry in ClinVar:

NM_001018115.3(FANCD2):c.696-2A>G

Genes: FANCD2 (FA complementation group D2; plus strand), LOC107303338 (3p25 FANCD2 Alu-mediated recombination region; plus strand). Cytogenetic location: 3p25.3.
Variant type: single nucleotide variant.
Coding change: c.696-2A>G on transcript NM_001018115.3 (MANE Select); the canonical splice acceptor site of the intron before coding-DNA position 696, A replaced by G.
Molecular consequence: splice acceptor variant.
Genome position (GRCh38, 1-based): chr3:10,041,621, A>G. VCF-style: chr3-10041621-A-G. GRCh37 (hg19) VCF-style: chr3-10083305-A-G.
Other names: c.696-2A>G (NM_001319984.2, NM_001374253.1, NM_033084.6 and 1 more transcripts).
Identifiers: ClinVar variation 4771202 (VCV004771202.1).

ClinVar aggregate classification (germline): Pathogenic (1 of 4 stars; one submission).

Conditions:
Fanconi anemia (FA). Also called: Fanconi's anemia. Identifiers: Orphanet 84, MedGen C0015625, MeSH D005199, MONDO:0019391.

Submission:

Labcorp Genetics (formerly Invitae), Labcorp
Classification: Pathogenic for Fanconi anemia. Last evaluated: 2026-01-04. Review status: criteria provided, single submitter. Criteria: Invitae Variant Classification Sherloc (09022015). Collection method: clinical testing. Allele origin: germline.
Comment: This sequence change affects an acceptor splice site in intron 9 of the FANCD2 gene. It is expected to disrupt RNA splicing. Variants that disrupt the donor or acceptor splice site typically lead to a loss of protein function (PMID: 16199547), and loss-of-function variants in FANCD2 are known to be pathogenic (PMID: 17436244). This variant is not present in population databases (gnomAD no frequency). Disruption of this splice site has been observed in individual(s) with Fanconi anemia (PMID: 17436244). In at least one individual the data is consistent with being in trans (on the opposite chromosome) from a pathogenic variant. Algorithms developed to predict the effect of sequence changes on RNA splicing suggest that this variant may disrupt the consensus splice site. For these reasons, this variant has been classified as Pathogenic.

Literature cited by the submitters: PubMed 16199547; PubMed 17436244.